The following is an entry in ClinVar:

ClinVar aggregate classification (germline): Uncertain significance. Review status: criteria provided, single submitter (1 of 4 stars). 2 submissions from 2 submitters: Uncertain significance (1). 1 of the submissions does not count toward it. Last evaluated 2022-10-24.

Conditions:
Deficiency of hydroxymethylglutaryl-CoA lyase (HMGCLD). Also called: HMG-CoA LYASE DEFICIENCY; HMGCL DEFICIENCY; HYDROXYMETHYLGLUTARIC ACIDURIA; Defect in leucine metabolism; 3-hydroxy-3-methylglutaric aciduria. Identifiers: Orphanet 20, MedGen C1533587, MONDO:0009520, OMIM 246450.

Allele frequency attached by ClinVar (database versions not stated): gnomAD 0.00006; TOPMed 0.00006; gnomAD exomes 0.00010 and 0.00014; ExAC 0.00011; ESP Exome Variant Server 0.00023.

Submissions (2):

Labcorp Genetics (formerly Invitae), Labcorp
Classification: Uncertain significance for Deficiency of hydroxymethylglutaryl-CoA lyase. Last evaluated: 2022-10-24. Review status: criteria provided, single submitter. Criteria: Invitae Variant Classification Sherloc (09022015). Collection method: clinical testing. Allele origin: germline.
Comment: This sequence change replaces valine, which is neutral and non-polar, with isoleucine, which is neutral and non-polar, at codon 51 of the HMGCL protein (p.Val51Ile). This variant is present in population databases (rs142942001, gnomAD 0.02%). This variant has not been reported in the literature in individuals affected with HMGCL-related conditions. ClinVar contains an entry for this variant (Variation ID: 968449). Advanced modeling of protein sequence and biophysical properties (such as structural, functional, and spatial information, amino acid conservation, physicochemical variation, residue mobility, and thermodynamic stability) performed at Invitae indicates that this missense variant is not expected to disrupt HMGCL protein function. In summary, the available evidence is currently insufficient to determine the role of this variant in disease. Therefore, it has been classified as a Variant of Uncertain Significance.

Natera, Inc.
Classification: Uncertain significance for HMG-CoA lyase deficiency. Last evaluated: 2020-09-17. Review status: no assertion criteria provided. Collection method: clinical testing. Allele origin: germline. Not counted in ClinVar's aggregate classification.

NM_000191.3(HMGCL):c.151G>A (p.Val51Ile)

Gene: HMGCL (3-hydroxy-3-methylglutaryl-CoA lyase; minus strand). Cytogenetic location: 1p36.11.
Variant type: single nucleotide variant.
Coding change: c.151G>A on transcript NM_000191.3 (MANE Select); coding-DNA position 151, G replaced by A.
Protein change: p.Val51Ile; replaces valine 51 with isoleucine.
Molecular consequence: missense variant.
Genome position (GRCh38, 1-based): chr1:23,817,577, C>T on the plus strand (G>A on the coding strand, the complement: HMGCL is on the minus strand). VCF-style: chr1-23817577-C-T. GRCh37 (hg19) VCF-style: chr1-24144067-C-T.
Other names: c.151G>A, p.Val51Ile (NM_001166059.2); short protein forms V51I.
Identifiers: ClinVar variation 968449 (VCV000968449.4), dbSNP rs142942001, ClinGen allele CA686175.